The following is an entry in ClinVar:

NM_006767.4(LZTR1):c.564del (p.Leu187_Trp188insTer)

Gene: LZTR1 (leucine zipper like post translational regulator 1; plus strand). Cytogenetic location: 22q11.21.
Variant type: Deletion.
Coding change: c.564del on transcript NM_006767.4 (MANE Select); coding-DNA position 564, one base deleted (G; older notation c.564delG).
Protein change: p.Leu187_Trp188insTer.
Molecular consequence: nonsense.
Genome position (GRCh38, 1-based): chr22:20,988,843, G deleted; the last of 2 consecutive G bases (chr22:20,988,842-20,988,843); deleting either gives the same sequence. VCF-style (leftmost placement, unchanged base first): chr22-20988841-TG-T. GRCh37 (hg19) VCF-style: chr22-21343130-TG-T.
Identifiers: ClinVar variation 2814586 (VCV002814586.3), dbSNP rs2518614162, ClinGen allele CA2739267805.

ClinVar aggregate classification (germline): Pathogenic (1 of 4 stars; one submission).

Submission:

Labcorp Genetics (formerly Invitae), Labcorp
Classification: Pathogenic. Last evaluated: 2022-11-15. Review status: criteria provided, single submitter. Criteria: Invitae Variant Classification Sherloc (09022015). Collection method: clinical testing. Allele origin: germline.
Comment: For these reasons, this variant has been classified as Pathogenic. This variant has not been reported in the literature in individuals affected with LZTR1-related conditions. This variant is not present in population databases (gnomAD no frequency). This sequence change creates a premature translational stop signal (p.Trp188*) in the LZTR1 gene. It is expected to result in an absent or disrupted protein product. Loss-of-function variants in LZTR1 are known to be pathogenic (PMID: 24362817, 25335493, 25480913, 25795793, 29469822, 30368668, 30442762, 30442766, 30481304, 30859559).

Literature cited by the submitters: PubMed 24362817; PubMed 25335493; PubMed 25480913; PubMed 25795793; PubMed 29469822; PubMed 30368668; PubMed 30442762; PubMed 30442766; PubMed 30481304; PubMed 30859559.